The following is an entry in ClinVar:

ClinVar aggregate classification (germline): Uncertain significance (1 of 4 stars; one submission).

Conditions:
Hereditary cancer-predisposing syndrome. Also called: Neoplastic Syndromes, Hereditary; Hereditary neoplastic syndrome; Tumor predisposition; Hereditary Cancer Syndrome. Identifiers: Orphanet 140162, MedGen C0027672, MeSH D009386, MONDO:0015356.

Submission:

Ambry Genetics
Classification: Uncertain significance for Hereditary cancer-predisposing syndrome. Last evaluated: 2026-02-02. Review status: criteria provided, single submitter. Criteria: Ambry Variant Classification Scheme 2023. Collection method: clinical testing. Allele origin: germline.
Comment: The c.3837_3839delCCAinsACT variant, located in coding exon 31 of the TSC2 gene, results from an in-frame deletion of CCA and insertion of ACT at nucleotide positions 3837 to 3839. This results in the substitution of a premature stop codon and leucine residue for tyrosine and glutamine residues at codons 1279 and 1280. This alteration is expected to result in premature protein truncation or nonsense-mediated mRNA decay; however, this variant occurs in an exon that is excluded in biologically relevant transcripts (Ekong R et al. Hum. Mutat. 2016 Apr;37:364-70). Based on the available evidence, the clinical significance of this variant remains unclear.

NM_000548.5(TSC2):c.3837_3839delinsACT (p.Tyr1279_Gln1280delinsTer)

Gene: TSC2 (TSC complex subunit 2; plus strand). Cytogenetic location: 16p13.3.
Variant type: Indel.
Coding change: c.3837_3839delinsACT on transcript NM_000548.5 (MANE Select); coding-DNA positions 3837 to 3839, CCA replaced by ACT.
Protein change: p.Tyr1279_Gln1280delinsTer.
Molecular consequence: nonsense. On other transcripts: intron variant (33), non-coding transcript variant (1).
Genome position (GRCh38, 1-based): chr16:2,082,458-2,082,460, CCA replaced by ACT. VCF-style: chr16-2082458-CCA-ACT. GRCh37 (hg19) VCF-style: chr16-2132459-CCA-ACT.
Other names: c.3085+660_3085+662delinsACT (NM_001406686.1, NM_001406685.1); c.3715+660_3715+662delinsACT (NM_001318832.2); c.2338+660_2338+662delinsACT (NM_001406697.1, NM_001406695.1, NM_001406696.1); c.2080+660_2080+662delinsACT (NM_001406698.1); c.3814+660_3814+662delinsACT (NM_001114382.3); c.3811+660_3811+662delinsACT (NM_001406664.1); c.3685+660_3685+662delinsACT (NM_001363528.2); c.3682+660_3682+662delinsACT (NM_001077183.3); and 25 more; short protein forms Y1279*.
Identifiers: ClinVar variation 4823959 (VCV004823959.1).